The following is an entry in ClinVar:

ClinVar aggregate classification (germline): Uncertain significance (1 of 4 stars; one submission).

Submission:

GeneDx
Classification: Uncertain significance. Last evaluated: 2019-07-26. Review status: criteria provided, single submitter. Criteria: GeneDx Variant Classification Process June 2021. Collection method: clinical testing. Allele origin: germline. Affected: yes.
Comment: Not observed in large population cohorts (Lek et al., 2016); In silico analysis, which includes protein predictors and evolutionary conservation, supports that this variant does not alter protein structure/function; Has not been previously published as pathogenic or benign to our knowledge

NM_001194.4(HCN2):c.2020G>A (p.Val674Met)

Gene: HCN2 (hyperpolarization activated cyclic nucleotide gated potassium and sodium channel 2; plus strand). Cytogenetic location: 19p13.3.
Variant type: single nucleotide variant.
Coding change: c.2020G>A on transcript NM_001194.4 (MANE Select); coding-DNA position 2020, G replaced by A.
Protein change: p.Val674Met; replaces valine 674 with methionine.
Molecular consequence: missense variant.
Genome position (GRCh38, 1-based): chr19:615,824, G>A. VCF-style: chr19-615824-G-A. GRCh37 (hg19) VCF-style: chr19-615824-G-A.
Other names: short protein forms V674M.
Identifiers: ClinVar variation 1307476 (VCV001307476.2), dbSNP rs761331391, ClinGen allele CA402885683.
Genomic context (GRCh38, chr19:615,824, plus strand): 5'-TGTGCACACGCTAACGCCCCCTCTCCCGCAGGCAAGAAGAATTCCATCCTCCTGCACAAG[G>A]TGCAGCATGACCTCAACTCGGGCGTATTCAACAACCAGGAGAACGCCATCATCCAGGAGA-3'
Protein context (NP_001185.3, residues 664-684): GKKNSILLHK[Val674Met]QHDLNSGVFN